The following is an entry in ClinVar:

ClinVar aggregate classification (germline): Pathogenic (1 of 4 stars; one submission).

Conditions:
Hepatic methionine adenosyltransferase deficiency. Also called: Isolated Persistent Hypermethioninemia; Methionine adenosyltransferase deficiency; Deficiency of methionine adenosyltransferase; MAT I/III DEFICIENCY. Identifiers: Orphanet 168598, MedGen C0268621, MeSH C564683, MONDO:0009607, OMIM 250850.

Submission:

Labcorp Genetics (formerly Invitae), Labcorp
Classification: Pathogenic for Hepatic methionine adenosyltransferase deficiency. Last evaluated: 2024-12-02. Review status: criteria provided, single submitter. Criteria: Invitae Variant Classification Sherloc (09022015). Collection method: clinical testing. Allele origin: germline.
Comment: This sequence change creates a premature translational stop signal (p.Gln119*) in the MAT1A gene. It is expected to result in an absent or disrupted protein product. Loss-of-function variants in MAT1A are known to be pathogenic (PMID: 20675163, 24231718). This variant is not present in population databases (gnomAD no frequency). This variant has not been reported in the literature in individuals affected with MAT1A-related conditions. ClinVar contains an entry for this variant (Variation ID: 2836833). Algorithms developed to predict the effect of sequence changes on RNA splicing suggest that this variant may disrupt the consensus splice site. For these reasons, this variant has been classified as Pathogenic.

Literature cited by the submitters: PubMed 20675163; PubMed 24231718.

NM_000429.3(MAT1A):c.355C>T (p.Gln119Ter)

Gene: MAT1A (methionine adenosyltransferase 1A; minus strand). Cytogenetic location: 10q22.3.
Variant type: single nucleotide variant.
Coding change: c.355C>T on transcript NM_000429.3 (MANE Select); coding-DNA position 355, C replaced by T.
Protein change: p.Gln119Ter; replaces glutamine 119 with a stop codon.
Molecular consequence: nonsense.
Genome position (GRCh38, 1-based): chr10:80,280,730, G>A on the plus strand (C>T on the coding strand, the complement: MAT1A is on the minus strand). VCF-style: chr10-80280730-G-A. GRCh37 (hg19) VCF-style: chr10-82040486-G-A.
Other names: short protein forms Q119*.
Identifiers: ClinVar variation 2836833 (VCV002836833.3), dbSNP rs2492497226, ClinGen allele CA377363023.